The following is an entry in ClinVar:

ClinVar aggregate classification (germline): Likely benign. Review status: criteria provided, multiple submitters, no conflicts (2 of 4 stars). 5 submissions from 5 submitters: Likely benign (3). 2 of the submissions do not count toward it. Last evaluated 2026-01-27.

Conditions:
STAT3 gain of function. Identifiers: MedGen C4288261.
Hyper-IgE recurrent infection syndrome 1, autosomal dominant. Also called: Job's Syndrome; JOB SYNDROME; STAT3 Hyper IgE Syndrome; Hyper-IgE recurrent infection syndrome 1; HYPER-IgE SYNDROME 1, AUTOSOMAL DOMINANT, WITH RECURRENT INFECTIONS. Identifiers: Orphanet 2314, MedGen C2936739, MONDO:0007818, OMIM 147060.
STAT3-related disorder. Also called: STAT3-related condition.

Allele frequency attached by ClinVar (database versions not stated): ExAC 0.00035; gnomAD 0.00076 and 0.00078; gnomAD exomes 0.00010 and 0.00024; TOPMed 0.00104; ESP Exome Variant Server 0.00115; 1000 Genomes Project 0.00120; 1000 Genomes Project 30x 0.00141.
gnomAD v4.1: 269 of 1,614,096 alleles (0.017%); highest among the groups gnomAD compares: African/African-American, 0.27%; no homozygotes.

Submissions (6):

Labcorp Genetics (formerly Invitae), Labcorp
Classification: Likely benign for STAT3 gain of function; Hyper-IgE recurrent infection syndrome 1, autosomal dominant. Last evaluated: 2026-01-27. Review status: criteria provided, single submitter. Criteria: Invitae Variant Classification Sherloc (09022015). Collection method: clinical testing. Allele origin: germline.

Blueprint Genetics
Classification: Likely benign. Last evaluated: 2024-08-06. Review status: criteria provided, single submitter. Criteria: ACMG Guidelines, 2015. Collection method: clinical testing. Allele origin: germline.

CeGaT Center for Human Genetics Tuebingen
Classification: Likely benign. Last evaluated: 2024-08-01. Review status: criteria provided, single submitter. Criteria: CeGaT Center For Human Genetics Tuebingen Variant Classification Criteria Version 2. Collection method: clinical testing. Allele origin: germline. Affected: yes. Observed: 2 variant alleles.
Comment: STAT3: PP2, BP4, BS1

Genetic Services Laboratory, University of Chicago
Classification: Likely benign. Last evaluated: 2022-07-15. Review status: no assertion criteria provided. Collection method: clinical testing. Allele origin: germline. Affected: no. Not counted in ClinVar's aggregate classification.

PreventionGenetics, part of Exact Sciences
Classification: Likely benign for STAT3-related condition. Last evaluated: 2019-06-05. Review status: no assertion criteria provided. Collection method: clinical testing. Allele origin: germline. Not counted in ClinVar's aggregate classification.
Comment: This variant is classified as likely benign based on ACMG/AMP sequence variant interpretation guidelines (Richards et al. 2015 PMID: 25741868, with internal and published modifications).

Dr. Peter K. Rogan Lab, Western University
No classification provided (evidence only). Condition: Lung cancer. Review status: no classification provided. Collection method: in vitro. Allele origin: not applicable. Functional consequence: retained intron. Not counted in ClinVar's aggregate classification.

NM_139276.3(STAT3):c.1492A>G (p.Ile498Val)

Gene: STAT3 (signal transducer and activator of transcription 3; minus strand). Cytogenetic location: 17q21.2.
Variant type: single nucleotide variant.
Coding change: c.1492A>G on transcript NM_139276.3 (MANE Select); coding-DNA position 1492, A replaced by G.
Protein change: p.Ile498Val; replaces isoleucine 498 with valine.
Molecular consequence: missense variant.
Genome position (GRCh38, 1-based): chr17:42,324,819, T>C on the plus strand (A>G on the coding strand, the complement: STAT3 is on the minus strand). VCF-style: chr17-42324819-T-C. GRCh37 (hg19) VCF-style: chr17-40476837-T-C.
Other names: c.1492A>G, p.Ile498Val (NM_001369512.1, NM_001369513.1, NM_001369514.1 and 10 more transcripts); c.1408A>G, p.Ile470Val (NM_001384984.1); c.1414A>G, p.Ile472Val (NM_001384985.1); c.1507A>G, p.Ile503Val (NM_001384986.1, NM_001384990.1); c.1471A>G, p.Ile491Val (NM_001384987.1); c.1396A>G, p.Ile466Val (NM_001384989.1); c.1432A>G, p.Ile478Val (NM_001384992.1); short protein forms I498V, I466V, I470V, I472V, I478V, I491V, I503V.
Identifiers: ClinVar variation 542785 (VCV000542785.34), dbSNP rs146620441, ClinGen allele CA8575300.
Genomic context (GRCh38, chr17:42,324,819, plus strand): 5'-GCTTGGTGGTGGAGGAGAACTGCCAGCTCAGGACCTCGGCCACTTGATCCCAGGTTCCAA[T>C]TGGGGGCTTGGTAAAAAAGTTTACATTCTATTGGAAAGAACACATTTGCTTGTTTAGATG-3'
Protein context (NP_644805.1, residues 488-508): KNVNFFTKPP[Ile498Val]GTWDQVAEVL